The following is an entry in ClinVar:

ClinVar aggregate classification (germline): Uncertain significance (1 of 4 stars; one submission).

Conditions:
Hereditary cancer-predisposing syndrome. Also called: Neoplastic Syndromes, Hereditary; Tumor predisposition; Hereditary Cancer Syndrome; Hereditary neoplastic syndrome. Identifiers: Orphanet 140162, MedGen C0027672, MeSH D009386, MONDO:0015356.

Submission:

Color Diagnostics, LLC DBA Color Health
Classification: Uncertain significance for Hereditary cancer-predisposing syndrome. Last evaluated: 2024-03-06. Review status: criteria provided, single submitter. Criteria: ACMG Guidelines, 2015. Collection method: clinical testing. Allele origin: germline.
Comment: This missense variant replaces alanine with proline at codon 597 of the BRIP1 protein. Computational prediction is inconclusive regarding the impact of this variant on protein structure and function (internally defined REVEL score threshold 0.5 < inconclusive < 0.7, PMID: 27666373). Splice site prediction tools suggest that this variant may not impact RNA splicing. To our knowledge, functional studies have not been performed for this variant. This variant has not been reported in individuals affected with hereditary cancer in the literature. This variant has not been identified in the general population by the Genome Aggregation Database (gnomAD). The available evidence is insufficient to determine the role of this variant in disease conclusively. Therefore, this variant is classified as a Variant of Uncertain Significance.

NM_032043.3(BRIP1):c.1789G>C (p.Ala597Pro)

Gene: BRIP1 (BRCA1 interacting DNA helicase 1; minus strand). Cytogenetic location: 17q23.2.
Variant type: single nucleotide variant.
Coding change: c.1789G>C on transcript NM_032043.3 (MANE Select); coding-DNA position 1789, G replaced by C.
Protein change: p.Ala597Pro; replaces alanine 597 with proline.
Molecular consequence: missense variant.
Genome position (GRCh38, 1-based): chr17:61,780,845, C>G on the plus strand (G>C on the coding strand, the complement: BRIP1 is on the minus strand). VCF-style: chr17-61780845-C-G. GRCh37 (hg19) VCF-style: chr17-59858206-C-G.
Other names: short protein forms A597P.
Identifiers: ClinVar variation 919386 (VCV000919386.4), dbSNP rs2077606219, ClinGen allele CA400480252.